The following is an entry in ClinVar:

NM_001190274.2(FBXO11):c.2293C>T (p.His765Tyr)

Gene: FBXO11 (F-box protein 11; minus strand). Cytogenetic location: 2p16.3.
Variant type: single nucleotide variant.
Coding change: c.2293C>T on transcript NM_001190274.2 (MANE Select); coding-DNA position 2293, C replaced by T.
Protein change: p.His765Tyr; replaces histidine 765 with tyrosine.
Molecular consequence: missense variant.
Genome position (GRCh38, 1-based): chr2:47,810,361, G>A on the plus strand (C>T on the coding strand, the complement: FBXO11 is on the minus strand). VCF-style: chr2-47810361-G-A. GRCh37 (hg19) VCF-style: chr2-48037500-G-A.
Other names: c.2041C>T, p.His681Tyr (NM_001374325.1, NM_025133.4); short protein forms H681Y, H765Y.
Identifiers: ClinVar variation 4083117 (VCV004083117.1).

ClinVar aggregate classification (germline): Uncertain significance (1 of 4 stars; one submission).

Submission:

GeneDx
Classification: Uncertain significance. Last evaluated: 2025-03-13. Review status: criteria provided, single submitter. Criteria: GeneDx Variant Classification Process June 2021. Collection method: clinical testing. Allele origin: germline. Affected: yes.
Comment: Not observed at significant frequency in large population cohorts (gnomAD); In silico analysis supports that this missense variant has a deleterious effect on protein structure/function; Has not been previously published as pathogenic or benign to our knowledge